The following is an entry in ClinVar:

NM_007294.4(BRCA1):c.2182A>G (p.Arg728Gly)

Gene: BRCA1 (BRCA1 DNA repair associated; minus strand). Cytogenetic location: 17q21.31.
Variant type: single nucleotide variant.
Coding change: c.2182A>G on transcript NM_007294.4 (MANE Select); coding-DNA position 2182, A replaced by G.
Protein change: p.Arg728Gly; replaces arginine 728 with glycine.
Molecular consequence: missense variant. On other transcripts: intron variant (137).
Genome position (GRCh38, 1-based): chr17:43,093,349, T>C on the plus strand (A>G on the coding strand, the complement: BRCA1 is on the minus strand). VCF-style: chr17-43093349-T-C. GRCh37 (hg19) VCF-style: chr17-41245366-T-C.
Other names: c.2038A>G, p.Arg680Gly (NM_001407943.1, NM_001407964.1, NM_001407740.1 and 20 more transcripts); c.2041A>G, p.Arg681Gly (NM_001407944.1, NM_001407945.1, NM_007297.4 and 29 more transcripts); c.1849A>G, p.Arg617Gly (NM_001407946.1, NM_001407947.1, NM_001407948.1 and 6 more transcripts); c.1846A>G, p.Arg616Gly (NM_001407954.1, NM_001407955.1, NM_001407956.1 and 1 more transcripts); c.1801A>G, p.Arg601Gly (NM_001407959.1, NM_001407960.1, NM_001407963.1); c.1798A>G, p.Arg600Gly (NM_001407962.1); c.1678A>G, p.Arg560Gly (NM_001407965.1); c.1294A>G, p.Arg432Gly (NM_001407966.1, NM_001407967.1); and 41 more; short protein forms R728G, R681G, R432G, R600G, R601G, R617G, R680G, R686G.
Identifiers: ClinVar variation 496353 (VCV000496353.6), dbSNP rs1555590265, ClinGen allele CA10597640.

ClinVar aggregate classification (germline): Conflicting classifications of pathogenicity. Review status: criteria provided, conflicting classifications (1 of 4 stars). 3 submissions from 3 submitters: Uncertain significance (1); Likely benign (1). 1 of the submissions does not count toward it. Last evaluated 2023-03-23.

Conditions:
Hereditary cancer-predisposing syndrome. Also called: Tumor predisposition; Neoplastic Syndromes, Hereditary; Hereditary neoplastic syndrome; Hereditary Cancer Syndrome. Identifiers: Orphanet 140162, MedGen C0027672, MeSH D009386, MONDO:0015356.

Submissions (3):

University of Washington Department of Laboratory Medicine, University of Washington
Classification: Likely benign for Hereditary cancer-predisposing syndrome. Last evaluated: 2023-03-23. Review status: criteria provided, single submitter. Criteria: Dines et al. (Genet Med. 2020). Collection method: curation. Allele origin: germline.
Comment: Missense variant in a coldspot region where missense variants are very unlikely to be pathogenic (PMID:31911673).

BRCA1 coldspot (exon 11 using historical exon numbering). Reclassification based on statistical prior probability

Women's Health and Genetics/Laboratory Corporation of America, LabCorp
Classification: Uncertain significance. Last evaluated: 2017-03-02. Review status: criteria provided, single submitter. Criteria: LabCorp Variant Classification Summary - May 2015. Collection method: clinical testing. Allele origin: germline.
Comment: Variant summary: The BRCA1 c.2182A>G (p.Arg728Gly) variant involves the alteration of a non-conserved nucleotide resulting in a missense change at the protein level. The variant of interest is located outside of any known functional domain or repeat and 3/4 in silico tools predict a benign outcome for this variant (SNPs&GO not captured due to low reliability index). However, these predictions have yet to be confirmed by functional studies. This variant is absent from the large control population database ExAC (0/121216 control chromosomes). To our knowledge, the variant of interest has not been reported in affected individuals via publications and/or reputable databases/clinical diagnostic laboratories. Due to the absence of clinical information and lack of functional studies, the variant is classified as a variant of uncertain significance (VUS) until additional information becomes available.

Cancer Genomics Lab, PINUM Cancer Hospital
Classification: Uncertain significance. Last evaluated: 2022-03-17. Review status: no assertion criteria provided. Collection method: clinical testing. Allele origin: germline. Affected: yes. Not counted in ClinVar's aggregate classification.

Literature cited by the submitters: PubMed 31911673 (cited by Cancer Genomics Lab, PINUM Cancer Hospital).